The following is an entry in ClinVar:

NM_005050.4(ABCD4):c.1449C>T (p.Pro483=)

Gene: ABCD4 (ATP binding cassette subfamily D member 4; minus strand). Cytogenetic location: 14q24.3.
Variant type: single nucleotide variant.
Coding change: c.1449C>T on transcript NM_005050.4 (MANE Select); coding-DNA position 1449, C replaced by T.
Protein change: p.Pro483=; no amino-acid change (proline 483 retained).
Molecular consequence: synonymous variant. On other transcripts: non-coding transcript variant (10).
Genome position (GRCh38, 1-based): chr14:74,289,490, G>A on the plus strand (C>T on the coding strand, the complement: ABCD4 is on the minus strand). VCF-style: chr14-74289490-G-A. GRCh37 (hg19) VCF-style: chr14-74756193-G-A.
Other names: c.1323C>T, p.Pro441= (NM_001353591.2, NM_001353592.2); c.1188C>T, p.Pro396= (NM_001353593.2); c.1137C>T, p.Pro379= (NM_001353594.2); c.1035C>T, p.Pro345= (NM_001353595.2, NM_001353596.2); c.984C>T, p.Pro328= (NM_001353597.2); c.972C>T, p.Pro324= (NM_001353598.2, NM_001353599.2, NM_001353600.2 and 2 more transcripts); c.660C>T, p.Pro220= (NM_001353602.2, NM_001353603.2, NM_001353604.2 and 6 more transcripts); c.1449C>T, p.Pro483= (NM_020325.3).
Identifiers: ClinVar variation 764538 (VCV000764538.10), dbSNP rs747273884, ClinGen allele CA7266785.

ClinVar aggregate classification (germline): Likely benign. Review status: criteria provided, single submitter (1 of 4 stars). 2 submissions from 2 submitters: Likely benign (1). 1 of the submissions does not count toward it. Last evaluated 2025-11-03.

Conditions:
Methylmalonic acidemia with homocystinuria, type cblJ (MAHCJ). Also called: METHYLMALONIC ACIDURIA AND HOMOCYSTINURIA, cblJ TYPE. Identifiers: Orphanet 369955, MedGen C3553915, MONDO:0013925, OMIM 614857.
ABCD4-related disorder. Also called: ABCD4-related condition.

Allele frequency attached by ClinVar (database versions not stated): gnomAD 0.00001; gnomAD exomes 0.00002 and 0.00004; TOPMed 0.00002; ExAC 0.00003.
gnomAD v4.1: 39 of 1,613,694 alleles (0.0024%); highest among the groups gnomAD compares: Admixed American, 0.015%; 1 homozygote.

Submissions (2):

Labcorp Genetics (formerly Invitae), Labcorp
Classification: Likely benign for Methylmalonic acidemia with homocystinuria, type cblJ. Last evaluated: 2025-11-03. Review status: criteria provided, single submitter. Criteria: Invitae Variant Classification Sherloc (09022015). Collection method: clinical testing. Allele origin: germline.

PreventionGenetics, part of Exact Sciences
Classification: Likely benign for ABCD4-related condition. Last evaluated: 2020-07-28. Review status: no assertion criteria provided. Collection method: clinical testing. Allele origin: germline. Not counted in ClinVar's aggregate classification.
Comment: This variant is classified as likely benign based on ACMG/AMP sequence variant interpretation guidelines (Richards et al. 2015 PMID: 25741868, with internal and published modifications).